The following is an entry in ClinVar:

ClinVar aggregate classification (germline): Uncertain significance. Review status: criteria provided, multiple submitters, no conflicts (2 of 4 stars). 3 submissions from 3 submitters: Uncertain significance (3). Last evaluated 2025-04-29.

Conditions:
2-aminoadipic 2-oxoadipic aciduria (AAKAD). Also called: Aminoadipic aciduria; ALPHA-AMINOADIPIC AND ALPHA-KETOADIPIC ACIDURIA. Identifiers: Orphanet 79154, MedGen C1859817, MONDO:0008774, OMIM 204750.
Inborn genetic diseases. Identifiers: MedGen C0950123, MeSH D030342.

Allele frequency attached by ClinVar (database versions not stated): ExAC 0.00002; TOPMed 0.00002; gnomAD 0.00003.
gnomAD v4.1: 40 of 1,613,876 alleles (0.0025%); highest among the groups gnomAD compares: South Asian, 0.0088%; no homozygotes.

Submissions (3):

Labcorp Genetics (formerly Invitae), Labcorp
Classification: Uncertain significance for 2-aminoadipic 2-oxoadipic aciduria. Last evaluated: 2025-04-29. Review status: criteria provided, single submitter. Criteria: Invitae Variant Classification Sherloc (09022015). Collection method: clinical testing. Allele origin: germline.
Comment: This sequence change replaces glutamic acid, which is acidic and polar, with lysine, which is basic and polar, at codon 204 of the DHTKD1 protein (p.Glu204Lys). This variant is present in population databases (rs751438050, gnomAD 0.009%). This variant has not been reported in the literature in individuals affected with DHTKD1-related conditions. ClinVar contains an entry for this variant (Variation ID: 572993). Invitae Evidence Modeling of protein sequence and biophysical properties (such as structural, functional, and spatial information, amino acid conservation, physicochemical variation, residue mobility, and thermodynamic stability) indicates that this missense variant is not expected to disrupt DHTKD1 protein function with a negative predictive value of 80%. In summary, the available evidence is currently insufficient to determine the role of this variant in disease. Therefore, it has been classified as a Variant of Uncertain Significance.

Ambry Genetics
Classification: Uncertain significance for Inborn genetic diseases. Last evaluated: 2024-03-19. Review status: criteria provided, single submitter. Criteria: Ambry Variant Classification Scheme 2023. Collection method: clinical testing. Allele origin: germline.

GeneDx
Classification: Uncertain significance. Last evaluated: 2021-12-15. Review status: criteria provided, single submitter. Criteria: GeneDx Variant Classification Process June 2021. Collection method: clinical testing. Allele origin: germline. Affected: yes.
Comment: Has not been previously published as pathogenic or benign to our knowledge; In silico analysis supports that this missense variant has a deleterious effect on protein structure/function

NM_018706.7(DHTKD1):c.610G>A (p.Glu204Lys)

Gene: DHTKD1 (dehydrogenase E1 and transketolase domain containing 1; plus strand). Cytogenetic location: 10p14.
Variant type: single nucleotide variant.
Coding change: c.610G>A on transcript NM_018706.7 (MANE Select); coding-DNA position 610, G replaced by A.
Protein change: p.Glu204Lys; replaces glutamic acid 204 with lysine.
Molecular consequence: missense variant.
Genome position (GRCh38, 1-based): chr10:12,087,622, G>A. VCF-style: chr10-12087622-G-A. GRCh37 (hg19) VCF-style: chr10-12129621-G-A.
Other names: c.610G>A (NM_018706.5); short protein forms E204K.
Identifiers: ClinVar variation 572993 (VCV000572993.9), dbSNP rs751438050, ClinGen allele CA5407590.